The following is an entry in ClinVar:

ClinVar aggregate classification (germline): Pathogenic (0 of 4 stars; one submission).

Conditions:
Fanconi anemia complementation group A (FANCA). Also called: Fanconi anemia, group A; FANCA-Related Fanconi Anemia. Identifiers: Orphanet 84, MedGen C3469521, MONDO:0009215, OMIM 227650.

Submission:

Leiden Open Variation Database
Classification: Pathogenic for Fanconi anemia complementation group A. Last evaluated: 2020-02-28. Review status: no assertion criteria provided. Collection method: curation. Allele origin: germline. Affected: yes.
Comment: Curator: Arleen D. Auerbach. Submitter to LOVD: Arleen D. Auerbach.

NM_000135.4(FANCA):c.448G>T (p.Glu150Ter)

Gene: FANCA (FA complementation group A; minus strand). Cytogenetic location: 16q24.3.
Variant type: single nucleotide variant.
Coding change: c.448G>T on transcript NM_000135.4 (MANE Select); coding-DNA position 448, G replaced by T.
Protein change: p.Glu150Ter; replaces glutamic acid 150 with a stop codon.
Molecular consequence: nonsense. On other transcripts: intron variant (1).
Genome position (GRCh38, 1-based): chr16:89,810,781, C>A on the plus strand (G>T on the coding strand, the complement: FANCA is on the minus strand). VCF-style: chr16-89810781-C-A. GRCh37 (hg19) VCF-style: chr16-89877189-C-A.
Other names: c.448G>T, p.Glu150Ter (NM_001018112.3, NM_001286167.3); c.426+148G>T (NM_001351830.2); short protein forms E150*.
Identifiers: ClinVar variation 974189 (VCV000974189.1), dbSNP rs947111024, ClinGen allele CA397480799.